The following is an entry in ClinVar:

NM_000136.3(FANCC):c.686T>G (p.Leu229Arg)

Genes: AOPEP (aminopeptidase O (putative); plus strand), FANCC (FA complementation group C; minus strand). Cytogenetic location: 9q22.32.
Variant type: single nucleotide variant.
Coding change: c.686T>G on transcript NM_000136.3 (MANE Select); coding-DNA position 686, T replaced by G.
Protein change: p.Leu229Arg; replaces leucine 229 with arginine.
Molecular consequence: missense variant.
Genome position (GRCh38, 1-based): chr9:95,149,923, A>C on the plus strand (T>G on the coding strand, the complement: FANCC is on the minus strand). VCF-style: chr9-95149923-A-C. GRCh37 (hg19) VCF-style: chr9-97912205-A-C.
Other names: c.686T>G, p.Leu229Arg (NM_001243743.2, NM_001243744.2); short protein forms L229R.
Identifiers: ClinVar variation 2874674 (VCV002874674.3), dbSNP rs369770340, ClinGen allele CA5137669.
Genomic context (GRCh38, chr9:95,149,923, plus strand): 5'-CCACAGCCTTCTAAGAAAAGGAAAAACGACGCAGGATGACAGGAAACATTTGCCACTTAC[A>C]GCAAAATGGCCTCGTTTACAGCCTCAAAGAACTCTGGCTGGAGGATTTCCTGAGGTTCAC-3'
Protein context (NP_000127.2, residues 219-239): FFEAVNEAIL[Leu229Arg]KKISLPMSAV

ClinVar aggregate classification (germline): Uncertain significance (1 of 4 stars; one submission).

Conditions:
Fanconi anemia (FA). Also called: Fanconi's anemia. Identifiers: Orphanet 84, MedGen C0015625, MeSH D005199, MONDO:0019391.

Allele frequency attached by ClinVar (database versions not stated): TOPMed 0.00002; ExAC 0.00004; ESP Exome Variant Server 0.00008.
gnomAD v4.1: 1 of 1,597,732 alleles (0.000063%); highest among the groups gnomAD compares: African/African-American, 0.0013%; no homozygotes.

Submission:

Labcorp Genetics (formerly Invitae), Labcorp
Classification: Uncertain significance for Fanconi anemia. Last evaluated: 2023-02-06. Review status: criteria provided, single submitter. Criteria: Invitae Variant Classification Sherloc (09022015). Collection method: clinical testing. Allele origin: germline.
Comment: In summary, the available evidence is currently insufficient to determine the role of this variant in disease. Therefore, it has been classified as a Variant of Uncertain Significance. Algorithms developed to predict the effect of missense changes on protein structure and function are either unavailable or do not agree on the potential impact of this missense change (SIFT: "Tolerated"; PolyPhen-2: "Possibly Damaging"; Align-GVGD: "Class C0"). This variant has not been reported in the literature in individuals affected with FANCC-related conditions. This variant is present in population databases (rs369770340, gnomAD 0.02%). This sequence change replaces leucine, which is neutral and non-polar, with arginine, which is basic and polar, at codon 229 of the FANCC protein (p.Leu229Arg).